The following is an entry in ClinVar:

NM_000143.4(FH):c.648T>A (p.Asp216Glu)

Gene: FH (fumarate hydratase; minus strand). Cytogenetic location: 1q43.
Variant type: single nucleotide variant.
Coding change: c.648T>A on transcript NM_000143.4 (MANE Select); coding-DNA position 648, T replaced by A.
Protein change: p.Asp216Glu; replaces aspartic acid 216 with glutamic acid.
Molecular consequence: missense variant.
Genome position (GRCh38, 1-based): chr1:241,508,693, A>T on the plus strand (T>A on the coding strand, the complement: FH is on the minus strand). VCF-style: chr1-241508693-A-T. GRCh37 (hg19) VCF-style: chr1-241671993-A-T.
Other names: short protein forms D216E.
Identifiers: ClinVar variation 485556 (VCV000485556.38), dbSNP rs199536615, ClinGen allele CA1478642.

ClinVar aggregate classification (germline): Conflicting classifications of pathogenicity. Review status: criteria provided, conflicting classifications (1 of 4 stars). 11 submissions from 11 submitters: Uncertain significance (3); Benign (1); Likely benign (3). 4 of the submissions do not count toward it. Last evaluated 2026-02-03.

Conditions:
FH-related disorder. Also called: FH-related disorders; FH-related condition.
Hereditary cancer-predisposing syndrome. Also called: Neoplastic Syndromes, Hereditary; Hereditary Cancer Syndrome; Tumor predisposition; Hereditary neoplastic syndrome. Identifiers: Orphanet 140162, MedGen C0027672, MeSH D009386, MONDO:0015356.
Hereditary leiomyomatosis and renal cell cancer. Also called: FH tumor predisposition syndrome; MULTIPLE CUTANEOUS AND UTERINE LEIOMYOMATA 1, WITH OR WITHOUT RENAL CELL CARCINOMA; Reed syndrome; Multiple cutaneous and uterine leiomyomatosis; Cutaneous leiomyomata with uterine leiomyomata; Leiomyoma, hereditary multiple, of skin. Identifiers: Orphanet 523, MedGen C1708350, MONDO:0007888, OMIM 150800, HP:0007437. Disease mechanism: loss of function.
Fumarase deficiency (FMRD). Also called: Fumarate Hydratase Deficiency; Fumaric aciduria. Identifiers: Orphanet 24, MedGen C0342770, MONDO:0011730, OMIM 606812.

Allele frequency attached by ClinVar (database versions not stated): gnomAD 0.00001; TOPMed 0.00002; ExAC 0.00008; gnomAD exomes 0.00008.
gnomAD v4.1: 113 of 1,613,582 alleles (0.007%); highest among the groups gnomAD compares: Non-Finnish European, 0.0093%; no homozygotes.

Submissions (11):

Labcorp Genetics (formerly Invitae), Labcorp
Classification: Likely benign. Last evaluated: 2026-02-03. Review status: criteria provided, single submitter. Criteria: Invitae Variant Classification Sherloc (09022015). Collection method: clinical testing. Allele origin: germline.

PreventionGenetics, part of Exact Sciences
Classification: Likely benign for FH-related condition. Last evaluated: 2025-08-11. Review status: criteria provided, single submitter. Criteria: ACMG Guidelines, 2015. Collection method: clinical testing. Allele origin: germline.
Comment: This variant is classified as likely benign based on ACMG/AMP sequence variant interpretation guidelines (Richards et al. 2015 PMID: 25741868, with internal and published modifications).

Center for Genomic Medicine, Rigshospitalet, Copenhagen University Hospital
Classification: Uncertain significance. Last evaluated: 2025-03-04. Review status: criteria provided, single submitter. Criteria: ACMG Guidelines, 2015. Collection method: clinical testing. Allele origin: germline.

GeneDx
Classification: Uncertain significance. Last evaluated: 2024-10-21. Review status: criteria provided, single submitter. Criteria: GeneDx Variant Classification Process June 2021. Collection method: clinical testing. Allele origin: germline. Affected: yes.
Comment: In silico analysis indicates that this missense variant does not alter protein structure/function; Has not been previously published as pathogenic or benign to our knowledge

Myriad Genetics, Inc.
Classification: Likely benign for Hereditary leiomyomatosis and renal cell cancer. Last evaluated: 2024-10-18. Review status: criteria provided, single submitter. Criteria: Myriad Autosomal Dominant, Autosomal Recessive and X-Linked Classification Criteria (2023). Collection method: clinical testing. Allele origin: unknown.
Comment: This variant is considered likely benign. This variant has been observed at a population frequency that is significantly greater than expected given the associated disease prevalence and penetrance.

Ambry Genetics
Classification: Benign for Hereditary cancer-predisposing syndrome. Last evaluated: 2023-11-16. Review status: criteria provided, single submitter. Criteria: Ambry Variant Classification Scheme 2023. Collection method: clinical testing. Allele origin: germline.

Genetic Services Laboratory, University of Chicago
Classification: Uncertain significance. Last evaluated: 2018-10-25. Review status: criteria provided, single submitter. Criteria: ACMG Guidelines, 2015. Collection method: clinical testing. Allele origin: germline. Affected: no.

Natera, Inc.
Classification: Uncertain significance for Fumarase Deficiency. Last evaluated: 2020-08-12. Review status: no assertion criteria provided. Collection method: clinical testing. Allele origin: germline. Not counted in ClinVar's aggregate classification.

Diagnostic Laboratory, Department of Genetics, University Medical Center Groningen
Classification: Likely benign. Review status: no assertion criteria provided. Collection method: clinical testing. Allele origin: germline. Affected: yes. Study: VKGL Data-share Consensus. Not counted in ClinVar's aggregate classification.

Genome Diagnostics Laboratory, Amsterdam University Medical Center
Classification: Likely benign. Review status: no assertion criteria provided. Collection method: clinical testing. Allele origin: germline. Affected: yes. Study: VKGL Data-share Consensus. Not counted in ClinVar's aggregate classification.

Joint Genome Diagnostic Labs from Nijmegen and Maastricht, Radboudumc and MUMC+
Classification: Likely benign. Review status: no assertion criteria provided. Collection method: clinical testing. Allele origin: germline. Affected: yes. Study: VKGL Data-share Consensus. Not counted in ClinVar's aggregate classification.